The following is an entry in ClinVar:

NM_024105.4(ALG12):c.1363G>A (p.Val455Met)

Gene: ALG12 (ALG12 alpha-1,6-mannosyltransferase; minus strand). Cytogenetic location: 22q13.33.
Variant type: single nucleotide variant.
Coding change: c.1363G>A on transcript NM_024105.4 (MANE Select); coding-DNA position 1363, G replaced by A.
Protein change: p.Val455Met; replaces valine 455 with methionine.
Molecular consequence: missense variant.
Genome position (GRCh38, 1-based): chr22:49,903,942, C>T on the plus strand (G>A on the coding strand, the complement: ALG12 is on the minus strand). VCF-style: chr22-49903942-C-T. GRCh37 (hg19) VCF-style: chr22-50297590-C-T.
Other names: short protein forms V455M.
Identifiers: ClinVar variation 342041 (VCV000342041.7), dbSNP rs367671008, ClinGen allele CA10300231.

ClinVar aggregate classification (germline): Uncertain significance. Review status: criteria provided, multiple submitters, no conflicts (2 of 4 stars). 3 submissions from 3 submitters: Uncertain significance (3). Last evaluated 2025-09-22.

Conditions:
Inborn genetic diseases. Identifiers: MedGen C0950123, MeSH D030342.
ALG12-congenital disorder of glycosylation (CDG1G). Also called: CDG Ig; Congenital disorder of glycosylation, type Ig; ALG12-CDG. Identifiers: Orphanet 79324, MedGen C2931001, MONDO:0011783, OMIM 607143.

Allele frequency attached by ClinVar (database versions not stated): gnomAD 0.00002; TOPMed 0.00004; ExAC 0.00005; gnomAD exomes 0.00007; ESP Exome Variant Server 0.00008.
gnomAD v4.1: 49 of 1,614,090 alleles (0.003%); highest among the groups gnomAD compares: East Asian, 0.036%; no homozygotes.

Submissions (3):

Ambry Genetics
Classification: Uncertain significance for Inborn genetic diseases. Last evaluated: 2025-09-22. Review status: criteria provided, single submitter. Criteria: Ambry Variant Classification Scheme 2023. Collection method: clinical testing. Allele origin: germline.

Labcorp Genetics (formerly Invitae), Labcorp
Classification: Uncertain significance for ALG12-congenital disorder of glycosylation. Last evaluated: 2022-05-04. Review status: criteria provided, single submitter. Criteria: Invitae Variant Classification Sherloc (09022015). Collection method: clinical testing. Allele origin: germline.
Comment: This sequence change replaces valine, which is neutral and non-polar, with methionine, which is neutral and non-polar, at codon 455 of the ALG12 protein (p.Val455Met). This variant is present in population databases (rs367671008, gnomAD 0.05%). This variant has not been reported in the literature in individuals affected with ALG12-related conditions. ClinVar contains an entry for this variant (Variation ID: 342041). Algorithms developed to predict the effect of missense changes on protein structure and function output the following: SIFT: "Tolerated"; PolyPhen-2: "Benign"; Align-GVGD: "Class C0". The methionine amino acid residue is found in multiple mammalian species, which suggests that this missense change does not adversely affect protein function. In summary, the available evidence is currently insufficient to determine the role of this variant in disease. Therefore, it has been classified as a Variant of Uncertain Significance.

Illumina Laboratory Services, Illumina
Classification: Uncertain significance for ALG12-congenital disorder of glycosylation. Last evaluated: 2018-01-12. Review status: criteria provided, single submitter. Criteria: ICSL Variant Classification Criteria 13 December 2019. Collection method: clinical testing. Allele origin: germline.